The following is an entry in ClinVar:

NM_002225.5(IVD):c.268T>A (p.Leu90Met)

Gene: IVD (isovaleryl-CoA dehydrogenase; plus strand). Cytogenetic location: 15q15.1.
Variant type: single nucleotide variant.
Coding change: c.268T>A on transcript NM_002225.5 (MANE Select); coding-DNA position 268, T replaced by A.
Protein change: p.Leu90Met; replaces leucine 90 with methionine.
Molecular consequence: missense variant. On other transcripts: non-coding transcript variant (1).
Genome position (GRCh38, 1-based): chr15:40,407,972, T>A. VCF-style: chr15-40407972-T-A. GRCh37 (hg19) VCF-style: chr15-40700171-T-A.
Other names: c.178T>A, p.Leu60Met (NM_001159508.3); c.220T>A, p.Leu74Met (NM_001354597.3); c.268T>A, p.Leu90Met (NM_001354598.3, NM_001354601.3); c.355T>A, p.Leu119Met (NM_001354599.3, NM_001354600.3); short protein forms L90M, L60M, L74M, L119M.
Identifiers: ClinVar variation 646307 (VCV000646307.8), dbSNP rs780854004, ClinGen allele CA7480575.

ClinVar aggregate classification (germline): Uncertain significance. Review status: criteria provided, multiple submitters, no conflicts (2 of 4 stars). 3 submissions from 3 submitters: Uncertain significance (2). 1 of the submissions does not count toward it. Last evaluated 2025-01-08.

Conditions:
Inborn genetic diseases. Identifiers: MedGen C0950123, MeSH D030342.
Isovaleryl-CoA dehydrogenase deficiency (IVA). Also called: Isovaleric acidemia; IVD DEFICIENCY; ISOVALERIC ACID CoA DEHYDROGENASE DEFICIENCY; Classic Isovaleric Acidemia. Identifiers: Orphanet 33, MedGen C0268575, MONDO:0009475, OMIM 243500.

Allele frequency attached by ClinVar (database versions not stated): ExAC 0.00002; gnomAD exomes 0.00002.
gnomAD v4.1: 13 of 1,614,176 alleles (0.00081%); highest among the groups gnomAD compares: Middle Eastern, 0.033%; no homozygotes.

Submissions (3):

Ambry Genetics
Classification: Uncertain significance for Inborn genetic diseases. Last evaluated: 2025-01-08. Review status: criteria provided, single submitter. Criteria: Ambry Variant Classification Scheme 2023. Collection method: clinical testing. Allele origin: germline.

Labcorp Genetics (formerly Invitae), Labcorp
Classification: Uncertain significance for Isovaleryl-CoA dehydrogenase deficiency. Last evaluated: 2022-04-23. Review status: criteria provided, single submitter. Criteria: Invitae Variant Classification Sherloc (09022015). Collection method: clinical testing. Allele origin: germline.
Comment: This sequence change replaces leucine, which is neutral and non-polar, with methionine, which is neutral and non-polar, at codon 93 of the IVD protein (p.Leu93Met). This variant is present in population databases (rs780854004, gnomAD 0.006%). This variant has not been reported in the literature in individuals affected with IVD-related conditions. ClinVar contains an entry for this variant (Variation ID: 646307). Algorithms developed to predict the effect of missense changes on protein structure and function are either unavailable or do not agree on the potential impact of this missense change (SIFT: "Deleterious"; PolyPhen-2: "Possibly Damaging"; Align-GVGD: "Class C0"). In summary, the available evidence is currently insufficient to determine the role of this variant in disease. Therefore, it has been classified as a Variant of Uncertain Significance.

Natera, Inc.
Classification: Uncertain significance for Isovaleryl-coa dehydrogenase deficiency. Last evaluated: 2018-06-16. Review status: no assertion criteria provided. Collection method: clinical testing. Allele origin: germline. Not counted in ClinVar's aggregate classification.